The following is an entry in ClinVar:

ClinVar aggregate classification (germline): Uncertain significance (1 of 4 stars; one submission).

Conditions:
Inborn genetic diseases. Identifiers: MedGen C0950123, MeSH D030342.

Submission:

Ambry Genetics
Classification: Uncertain significance for Inborn genetic diseases. Last evaluated: 2025-02-06. Review status: criteria provided, single submitter. Criteria: Ambry Variant Classification Scheme 2023. Collection method: clinical testing. Allele origin: germline.
Comment: The p.T1186S variant (also known as c.3557C>G), located in coding exon 13 of the ASXL1 gene, results from a C to G substitution at nucleotide position 3557. The threonine at codon 1186 is replaced by serine, an amino acid with similar properties. This amino acid position is conserved. In addition, this alteration is predicted to be tolerated by in silico analysis. Based on the available evidence, the clinical significance of this variant remains unclear.

NM_015338.6(ASXL1):c.3557C>G (p.Thr1186Ser)

Gene: ASXL1 (ASXL transcriptional regulator 1; plus strand). Cytogenetic location: 20q11.21.
Variant type: single nucleotide variant.
Coding change: c.3557C>G on transcript NM_015338.6 (MANE Select); coding-DNA position 3557, C replaced by G.
Protein change: p.Thr1186Ser; replaces threonine 1186 with serine.
Molecular consequence: missense variant.
Genome position (GRCh38, 1-based): chr20:32,436,269, C>G. VCF-style: chr20-32436269-C-G. GRCh37 (hg19) VCF-style: chr20-31024072-C-G.
Other names: c.3374C>G, p.Thr1125Ser (NM_001363734.1); short protein forms T1125S, T1186S.
Identifiers: ClinVar variation 3793223 (VCV003793223.1).